The following is an entry in ClinVar:

ClinVar aggregate classification (germline): Benign (1 of 4 stars; one submission).

Conditions:
Brachydactyly. Also called: Brachydactyly syndrome; Brachydactyly (disease). Identifiers: MedGen C0221357, MONDO:0021004, HP:0001156.

Allele frequency attached by ClinVar (database versions not stated): 1000 Genomes Project 30x 0.00406; gnomAD 0.00438 and 0.00471; 1000 Genomes Project 0.00459; TOPMed 0.00484.

Submission:

Illumina Laboratory Services, Illumina
Classification: Benign for Brachydactyly. Last evaluated: 2018-01-12. Review status: criteria provided, single submitter. Criteria: ICSL Variant Classification Criteria 13 December 2019. Collection method: clinical testing. Allele origin: germline.
Comment: This variant was observed in the ICSL laboratory as part of a predisposition screen in an ostensibly healthy population. It had not been previously curated by ICSL or reported in the Human Gene Mutation Database (HGMD: prior to June 1st, 2018), and was therefore a candidate for classification through an automated scoring system. Utilizing variant allele frequency, disease prevalence and penetrance estimates, and inheritance mode, an automated score was calculated to assess if this variant is too frequent to cause the disease. Based on the score and internal cut-off values, a variant classified as benign is not then subjected to further curation. The score for this variant resulted in a classification of benign for this disease.

NM_001203.3(BMPR1B):c.*3679G>A

Gene: BMPR1B (bone morphogenetic protein receptor type 1B; plus strand). Cytogenetic location: 4q22.3.
Variant type: single nucleotide variant.
Coding change: c.*3679G>A on transcript NM_001203.3 (MANE Select); 3679 bases downstream of the stop codon, G replaced by A.
Molecular consequence: 3 prime UTR variant.
Genome position (GRCh38, 1-based): chr4:95,158,352, G>A. VCF-style: chr4-95158352-G-A. GRCh37 (hg19) VCF-style: chr4-96079503-G-A.
Other names: c.*3679G>A (NM_001256792.2, NM_001256793.2, NM_001256794.1).
Identifiers: ClinVar variation 350183 (VCV000350183.5), dbSNP rs568350802, ClinGen allele CA10622048.